The following is an entry in ClinVar:

NM_000093.5(COL5A1):c.2485-39_2485-38insT

Gene: COL5A1 (collagen type V alpha 1 chain; plus strand). Cytogenetic location: 9q34.3.
Variant type: Insertion.
Coding change: c.2485-39_2485-38insT on transcript NM_000093.5 (MANE Select); 39 bases into the intron before coding-DNA position 2485 through 38 bases into the intron before coding-DNA position 2485, T inserted.
Molecular consequence: intron variant.
Genome position: GRCh38 VCF-style: chr9-134784950-G-GT. GRCh37 (hg19) VCF-style: chr9-137676796-G-GT.
Other names: c.2485-39_2485-38insT (NM_001278074.1).
Identifiers: ClinVar variation 675261 (VCV000675261.1), dbSNP rs779225921, ClinGen allele CA5319401.

ClinVar aggregate classification (germline): Benign (1 of 4 stars; one submission).

Submission:

GeneDx
Classification: Benign. Last evaluated: 2018-06-14. Review status: criteria provided, single submitter. Criteria: GeneDx Variant Classification (06012015). Collection method: clinical testing. Allele origin: germline. Affected: yes.
Comment: This variant is considered likely benign or benign based on one or more of the following criteria: it is a conservative change, it occurs at a poorly conserved position in the protein, it is predicted to be benign by multiple in silico algorithms, and/or has population frequency not consistent with disease.